The following is an entry in ClinVar:

NM_001036.6(RYR3):c.9178G>T (p.Ala3060Ser)

Gene: RYR3 (ryanodine receptor 3; plus strand). Cytogenetic location: 15q14.
Variant type: single nucleotide variant.
Coding change: c.9178G>T on transcript NM_001036.6 (MANE Select); coding-DNA position 9178, G replaced by T.
Protein change: p.Ala3060Ser; replaces alanine 3060 with serine.
Molecular consequence: missense variant.
Genome position (GRCh38, 1-based): chr15:33,780,251, G>T. VCF-style: chr15-33780251-G-T. GRCh37 (hg19) VCF-style: chr15-34072452-G-T.
Other names: c.9178G>T, p.Ala3060Ser (NM_001243996.4); short protein forms A3060S.
Identifiers: ClinVar variation 3157378 (VCV003157378.3), dbSNP rs758088979, ClinGen allele CA7460445.

ClinVar aggregate classification (germline): Uncertain significance. Review status: criteria provided, multiple submitters, no conflicts (2 of 4 stars). 2 submissions from 2 submitters: Uncertain significance (2). Last evaluated 2026-07-01.

Allele frequency attached by ClinVar (database versions not stated): ExAC 0.00001; gnomAD 0.00006; TOPMed 0.00006; gnomAD exomes 0.00007.
gnomAD v4.1: 108 of 1,613,382 alleles (0.0067%); highest among the groups gnomAD compares: Non-Finnish European, 0.0087%; no homozygotes.

Submissions (2):

CeGaT Center for Human Genetics Tuebingen
Classification: Uncertain significance. Last evaluated: 2026-07-01. Review status: criteria provided, single submitter. Criteria: CeGaT Center For Human Genetics Tuebingen Variant Classification Criteria Version 2. Collection method: clinical testing. Allele origin: germline. Affected: yes. Observed: 1 variant allele.
Comment: RYR3: PM2

Ambry Genetics
Classification: Uncertain significance. Last evaluated: 2024-12-20. Review status: criteria provided, single submitter. Criteria: Ambry Variant Classification Scheme 2023. Collection method: clinical testing. Allele origin: germline.